The following is an entry in ClinVar:

NM_001478.5(B4GALNT1):c.514G>C (p.Gly172Arg)

Gene: B4GALNT1 (beta-1,4-N-acetyl-galactosaminyltransferase 1; minus strand). Cytogenetic location: 12q13.3.
Variant type: single nucleotide variant.
Coding change: c.514G>C on transcript NM_001478.5 (MANE Select); coding-DNA position 514, G replaced by C.
Protein change: p.Gly172Arg; replaces glycine 172 with arginine.
Molecular consequence: missense variant.
Genome position (GRCh38, 1-based): chr12:57,630,495, C>G on the plus strand (G>C on the coding strand, the complement: B4GALNT1 is on the minus strand). VCF-style: chr12-57630495-C-G. GRCh37 (hg19) VCF-style: chr12-58024278-C-G.
Other names: p.Gly172Arg; c.349G>C, p.Gly117Arg (NM_001276468.2); c.514G>C, p.Gly172Arg (NM_001276469.2); short protein forms G172R, G117R.
Identifiers: ClinVar variation 380791 (VCV000380791.13), dbSNP rs810205, ClinGen allele CA6655742.

ClinVar aggregate classification (germline): Benign. Review status: criteria provided, multiple submitters, no conflicts (2 of 4 stars). 4 submissions from 4 submitters: Benign (4). Last evaluated 2026-01-28.

Conditions:
Spastic paraplegia. Identifiers: MedGen C0037772, HP:0001258.

Allele frequency attached by ClinVar (database versions not stated): ExAC 0.02028; 1000 Genomes Project 0.02057; 1000 Genomes Project 30x 0.02092; TOPMed 0.02588; ESP Exome Variant Server 0.02876.
gnomAD v4.1: 30,837 of 1,609,128 alleles (1.9%); highest among the groups gnomAD compares: African/African-American, 4.9%; 397 homozygotes.

Submissions (4):

Labcorp Genetics (formerly Invitae), Labcorp
Classification: Benign for Spastic paraplegia. Last evaluated: 2026-01-28. Review status: criteria provided, single submitter. Criteria: Invitae Variant Classification Sherloc (09022015). Collection method: clinical testing. Allele origin: germline.

Mayo Clinic Laboratories, Mayo Clinic
Classification: Benign. Last evaluated: 2017-11-15. Review status: criteria provided, single submitter. Criteria: ACMG Guidelines, 2015. Collection method: clinical testing. Allele origin: germline. Observed: 61 variant alleles.

GeneDx
Classification: Benign. Last evaluated: 2016-05-05. Review status: criteria provided, single submitter. Criteria: GeneDx Variant Classification (06012015). Collection method: clinical testing. Allele origin: germline. Affected: yes.
Comment: This variant is considered likely benign or benign based on one or more of the following criteria: it is a conservative change, it occurs at a poorly conserved position in the protein, it is predicted to be benign by multiple in silico algorithms, and/or has population frequency not consistent with disease.

Breakthrough Genomics
Classification: Benign. Review status: criteria provided, single submitter. Criteria: ACMG Guidelines, 2015. Collection method: not provided. Allele origin: germline. Inheritance: Autosomal recessive inheritance. Affected: yes.